The following is an entry in ClinVar:

ClinVar aggregate classification (germline): Likely benign (0 of 4 stars; one submission).

Conditions:
MAP3K15-related disorder. Also called: MAP3K15-related condition.

Allele frequency attached by ClinVar (database versions not stated): gnomAD 0.00002; TOPMed 0.00002; gnomAD exomes 0.00005.
gnomAD v4.1: 53 of 1,206,108 alleles (0.0044%); highest among the groups gnomAD compares: Non-Finnish European, 0.0059%; no homozygotes.

Submission:

PreventionGenetics, part of Exact Sciences
Classification: Likely benign for MAP3K15-related condition. Last evaluated: 2019-05-01. Review status: no assertion criteria provided. Collection method: clinical testing. Allele origin: germline.
Comment: This variant is classified as likely benign based on ACMG/AMP sequence variant interpretation guidelines (Richards et al. 2015 PMID: 25741868, with internal and published modifications).

NM_001001671.4(MAP3K15):c.2466C>T (p.Asp822=)

Gene: MAP3K15 (mitogen-activated protein kinase kinase kinase 15; minus strand). Cytogenetic location: Xp22.12.
Variant type: single nucleotide variant.
Coding change: c.2466C>T on transcript NM_001001671.4 (MANE Select); coding-DNA position 2466, C replaced by T.
Protein change: p.Asp822=; no amino-acid change (aspartic acid 822 retained).
Molecular consequence: synonymous variant.
Genome position (GRCh38, 1-based): chrX:19,380,243, G>A on the plus strand (C>T on the coding strand, the complement: MAP3K15 is on the minus strand). VCF-style: chrX-19380243-G-A. GRCh37 (hg19) VCF-style: chrX-19398361-G-A.
Identifiers: ClinVar variation 3038332 (VCV003038332.2), dbSNP rs748480121, ClinGen allele CA10363746.